The following is an entry in ClinVar:

ClinVar aggregate classification (germline): Uncertain significance (1 of 4 stars; one submission).

Conditions:
Charcot-Marie-Tooth disease type 4. Also called: Charcot-Marie-Tooth disease, type IV; Charcot-Marie-Tooth, Type 4. Identifiers: Orphanet 64749, MedGen C4082197, MONDO:0018995.

Allele frequency attached by ClinVar (database versions not stated): gnomAD exomes below 0.00001.
gnomAD v4.1: 1 of 1,614,204 alleles (0.000062%); highest among the groups gnomAD compares: Non-Finnish European, 0.000085%; no homozygotes.

Submission:

Labcorp Genetics (formerly Invitae), Labcorp
Classification: Uncertain significance for Charcot-Marie-Tooth disease type 4. Last evaluated: 2023-08-04. Review status: criteria provided, single submitter. Criteria: Invitae Variant Classification Sherloc (09022015). Collection method: clinical testing. Allele origin: germline.
Comment: In summary, the available evidence is currently insufficient to determine the role of this variant in disease. Therefore, it has been classified as a Variant of Uncertain Significance. Advanced modeling of protein sequence and biophysical properties (such as structural, functional, and spatial information, amino acid conservation, physicochemical variation, residue mobility, and thermodynamic stability) performed at Invitae indicates that this missense variant is not expected to disrupt SBF2 protein function. ClinVar contains an entry for this variant (Variation ID: 848545). This variant has not been reported in the literature in individuals affected with SBF2-related conditions. This variant is not present in population databases (gnomAD no frequency). This sequence change replaces threonine, which is neutral and polar, with serine, which is neutral and polar, at codon 1693 of the SBF2 protein (p.Thr1693Ser).

NM_030962.4(SBF2):c.5077A>T (p.Thr1693Ser)

Genes: SBF2 (SET binding factor 2; minus strand), SBF2-AS1 (SBF2 antisense RNA 1; plus strand), LOC105369149 (uncharacterized LOC105369149; plus strand). Cytogenetic location: 11p15.4.
Variant type: single nucleotide variant.
Coding change: c.5077A>T on transcript NM_030962.4 (MANE Select); coding-DNA position 5077, A replaced by T.
Protein change: p.Thr1693Ser; replaces threonine 1693 with serine.
Molecular consequence: missense variant.
Genome position (GRCh38, 1-based): chr11:9,785,279, T>A on the plus strand (A>T on the coding strand, the complement: SBF2 is on the minus strand). VCF-style: chr11-9785279-T-A. GRCh37 (hg19) VCF-style: chr11-9806826-T-A.
Other names: c.5173A>T, p.Thr1725Ser (NM_001386339.1); c.4948A>T, p.Thr1650Ser (NM_001386342.1); short protein forms T1693S, T1650S, T1725S.
Identifiers: ClinVar variation 848545 (VCV000848545.10), dbSNP rs935208245, ClinGen allele CA379631763.
Genomic context (GRCh38, chr11:9,785,279, plus strand): 5'-CCCCCATGCTGCTGTCTGGGAGATGTAGCAGAGACCTCTTCTGATAGGAAGGTAGGTTGG[T>A]AGACACAATTCCTGGGGATCTCGACAGGTGTCTTTGGGACTGAAAAAGACAGGACAGGAG-3'
Protein context (NP_112224.1, residues 1683-1703): HLSRSPGIVS[Thr1693Ser]NLPSYQKRSL